The following is an entry in ClinVar:

ClinVar aggregate classification (germline): Conflicting classifications of pathogenicity. Review status: criteria provided, conflicting classifications (1 of 4 stars). 2 submissions from 2 submitters: Uncertain significance (1); Likely benign (1). Last evaluated 2024-06-18.

Conditions:
Hereditary cancer-predisposing syndrome. Also called: Hereditary Cancer Syndrome; Tumor predisposition; Neoplastic Syndromes, Hereditary; Hereditary neoplastic syndrome. Identifiers: Orphanet 140162, MedGen C0027672, MeSH D009386, MONDO:0015356.
Hereditary breast ovarian cancer syndrome. Also called: Hereditary breast and ovarian cancer syndrome; Hereditary breast and/or ovarian cancer syndrome; Hereditary breast and ovarian cancer syndrome (HBOC); Breast and ovarian cancer; Hereditary breast and ovarian cancer; BRCA1- and BRCA2-Associated Hereditary Breast and Ovarian Cancer. Identifiers: Orphanet 145, MedGen C0677776, MeSH D061325, MONDO:0003582. Disease mechanism: loss of function.

Allele frequency attached by ClinVar (database versions not stated): gnomAD exomes below 0.00001.
gnomAD v4.1: 4 of 1,608,134 alleles (0.00025%); highest among the groups gnomAD compares: Non-Finnish European, 0.00034%; no homozygotes.

Submissions (2):

Labcorp Genetics (formerly Invitae), Labcorp
Classification: Likely benign for Hereditary breast ovarian cancer syndrome. Last evaluated: 2024-06-18. Review status: criteria provided, single submitter. Criteria: Invitae Variant Classification Sherloc (09022015). Collection method: clinical testing. Allele origin: germline.

Color Diagnostics, LLC DBA Color Health
Classification: Uncertain significance for Hereditary cancer-predisposing syndrome. Last evaluated: 2019-12-09. Review status: criteria provided, single submitter. Criteria: ACMG Guidelines, 2015. Collection method: clinical testing. Allele origin: germline.
Comment: This variant causes an A>G nucleotide substitution at the +6 position of intron 5 of the BRCA2 gene. To our knowledge, functional studies have not been performed for this variant. This variant has not been reported in individuals affected with hereditary cancer in the literature. This variant has not been identified in the general population by the Genome Aggregation Database (gnomAD). The available evidence is insufficient to determine the role of this variant in disease conclusively. Therefore, this variant is classified as a Variant of Uncertain Significance.

NM_000059.4(BRCA2):c.475+6A>G

Gene: BRCA2 (BRCA2 DNA repair associated; plus strand). Cytogenetic location: 13q13.1.
Variant type: single nucleotide variant.
Coding change: c.475+6A>G on transcript NM_000059.4 (MANE Select); 6 bases into the intron after coding-DNA position 475, A replaced by G.
Molecular consequence: intron variant.
Genome position (GRCh38, 1-based): chr13:32,326,156, A>G. VCF-style: chr13-32326156-A-G. GRCh37 (hg19) VCF-style: chr13-32900293-A-G.
Identifiers: ClinVar variation 864660 (VCV000864660.13), dbSNP rs2072344881, ClinGen allele CA916080529.